The following is an entry in ClinVar:

ClinVar aggregate classification (germline): Pathogenic. Review status: reviewed by expert panel (3 of 4 stars). 2 submissions from 2 submitters: Pathogenic (1). 1 of the submissions does not count toward it. Last evaluated 2017-12-15.

Conditions:
Breast-ovarian cancer, familial, susceptibility to, 2 (BROVCA2). Also called: BRCA2 Hereditary Breast and Ovarian Cancer. Identifiers: Orphanet 145, MedGen C2675520, MONDO:0012933, OMIM 612555. Disease mechanism: loss of function.
Hereditary breast ovarian cancer syndrome. Also called: BRCA1- and BRCA2-Associated Hereditary Breast and Ovarian Cancer; Hereditary breast and/or ovarian cancer syndrome; Hereditary breast and ovarian cancer; Hereditary breast and ovarian cancer syndrome; Hereditary breast and ovarian cancer syndrome (HBOC); Breast and ovarian cancer. Identifiers: Orphanet 145, MedGen C0677776, MeSH D061325, MONDO:0003582. Disease mechanism: loss of function.

Submissions (2):

Evidence-based Network for the Interpretation of Germline Mutant Alleles (ENIGMA)
Classification: Pathogenic for Breast-ovarian cancer, familial, susceptibility to, 2. Last evaluated: 2017-12-15. Review status: reviewed by expert panel. Criteria: ENIGMA BRCA1/2 Classification Criteria (2017-06-29). Collection method: curation. Allele origin: germline. Study: ENIGMA.
Comment: Variant allele predicted to encode a truncated non-functional protein.

Research Molecular Genetics Laboratory, Women's College Hospital, University of Toronto
Classification: Pathogenic for Hereditary breast ovarian cancer syndrome. Last evaluated: 2014-01-31. Review status: no assertion criteria provided. Collection method: research. Allele origin: germline. Affected: yes. Study: The Canadian Open Genetics Repository (COGR). Not counted in ClinVar's aggregate classification.

NM_000059.4(BRCA2):c.5718del (p.Ser1907fs)

Gene: BRCA2 (BRCA2 DNA repair associated; plus strand). Cytogenetic location: 13q13.1.
Variant type: Deletion.
Coding change: c.5718del on transcript NM_000059.4 (MANE Select); coding-DNA position 5718, one base deleted (C; older notation c.5718delC).
Protein change: p.Ser1907fs; shifts the reading frame from serine 1907.
Molecular consequence: frameshift variant.
Genome position (GRCh38, 1-based): chr13:32,340,073, C deleted. VCF-style (leftmost placement, unchanged base first): chr13-32340072-AC-A. GRCh37 (hg19) VCF-style: chr13-32914209-AC-A.
Other names: c.5718delC (NM_000059.3); short protein forms S1907fs.
Identifiers: ClinVar variation 431321 (VCV000431321.1), dbSNP rs1135401910, ClinGen allele CA645372973.